The following is an entry in ClinVar:

NM_032217.5(ANKRD17):c.4905T>G (p.Ser1635Arg)

Gene: ANKRD17 (ankyrin repeat domain 17; minus strand). Cytogenetic location: 4q13.3.
Variant type: single nucleotide variant.
Coding change: c.4905T>G on transcript NM_032217.5 (MANE Select); coding-DNA position 4905, T replaced by G.
Protein change: p.Ser1635Arg; replaces serine 1635 with arginine.
Molecular consequence: missense variant.
Genome position (GRCh38, 1-based): chr4:73,098,189, A>C on the plus strand (T>G on the coding strand, the complement: ANKRD17 is on the minus strand). VCF-style: chr4-73098189-A-C. GRCh37 (hg19) VCF-style: chr4-73963906-A-C.
Other names: c.4902T>G, p.Ser1634Arg (NM_015574.2); c.4152T>G, p.Ser1384Arg (NM_198889.3); c.4566T>G, p.Ser1522Arg (NM_001286771.3); short protein forms S1384R, S1522R, S1634R, S1635R.
Identifiers: ClinVar variation 4537748 (VCV004537748.1).
Genomic context (GRCh38, chr4:73,098,189, plus strand): 5'-AACTGATGGCTGCTTTTTGCTGCTCACAGTGGTAGTGACCACAGCTGGTGAATGATTGTC[A>C]CTCTTACGACTGCTGTTGCTGTTACTACTTTCATCGCTGCAGCTGGAAATCCTCATGTTA-3'
Protein context (NP_115593.3, residues 1625-1645): ESSNSNSSRK[Ser1635Arg]DNHSPAVVTT

ClinVar aggregate classification (germline): Uncertain significance (1 of 4 stars; one submission).

Submission:

GeneDx
Classification: Uncertain significance. Last evaluated: 2025-06-12. Review status: criteria provided, single submitter. Criteria: GeneDx Variant Classification Process June 2021. Collection method: clinical testing. Allele origin: germline. Affected: yes.
Comment: Not observed at significant frequency in large population cohorts (gnomAD); In silico analysis suggests that this missense variant does not alter protein structure/function; Has not been previously published as pathogenic or benign to our knowledge